The following is an entry in ClinVar:

ClinVar aggregate classification (germline): Benign/Likely benign. Review status: criteria provided, multiple submitters, no conflicts (2 of 4 stars). 4 submissions from 4 submitters: Benign (1); Likely benign (3). Last evaluated 2026-08-01.

Submissions (4):

CeGaT Center for Human Genetics Tuebingen
Classification: Likely benign. Last evaluated: 2026-08-01. Review status: criteria provided, single submitter. Criteria: CeGaT Center For Human Genetics Tuebingen Variant Classification Criteria Version 2. Collection method: clinical testing. Allele origin: germline. Affected: yes. Observed: 1 variant allele.
Comment: SPTBN2: BP4, BP7

Labcorp Genetics (formerly Invitae), Labcorp
Classification: Likely benign. Last evaluated: 2025-11-25. Review status: criteria provided, single submitter. Criteria: Invitae Variant Classification Sherloc (09022015). Collection method: clinical testing. Allele origin: germline.

Blueprint Genetics
Classification: Likely benign. Last evaluated: 2024-10-31. Review status: criteria provided, single submitter. Criteria: ACMG Guidelines, 2015. Collection method: clinical testing. Allele origin: germline.

Athena Diagnostics
Classification: Benign. Last evaluated: 2024-10-11. Review status: criteria provided, single submitter. Criteria: Athena Diagnostics Criteria. Collection method: clinical testing. Allele origin: unknown.

NM_006946.4(SPTBN2):c.3135C>T (p.Thr1045=)

Gene: SPTBN2 (spectrin beta, non-erythrocytic 2; minus strand). Cytogenetic location: 11q13.2.
Variant type: single nucleotide variant.
Coding change: c.3135C>T on transcript NM_006946.4 (MANE Select); coding-DNA position 3135, C replaced by T.
Protein change: p.Thr1045=; no amino-acid change (threonine 1045 retained).
Molecular consequence: synonymous variant.
Genome position (GRCh38, 1-based): chr11:66,700,964, G>A on the plus strand (C>T on the coding strand, the complement: SPTBN2 is on the minus strand). VCF-style: chr11-66700964-G-A. GRCh37 (hg19) VCF-style: chr11-66468435-G-A.
Other names: c.3156C>T, p.Thr1052= (NM_001411025.1).
Identifiers: ClinVar variation 3571471 (VCV003571471.4).